The following is an entry in ClinVar:

ClinVar aggregate classification (germline): Uncertain significance (1 of 4 stars; one submission).

Conditions:
Familial hemophagocytic lymphohistiocytosis 3 (FHL3). Also called: UNC13D-Related Familial Hemophagocytic Lymphohistiocytosis (UNC13D-fHLH). Identifiers: Orphanet 540, MedGen C1837174, MONDO:0012146, OMIM 608898.

Submission:

Labcorp Genetics (formerly Invitae), Labcorp
Classification: Uncertain significance for Familial hemophagocytic lymphohistiocytosis 3. Last evaluated: 2024-10-26. Review status: criteria provided, single submitter. Criteria: Invitae Variant Classification Sherloc (09022015). Collection method: clinical testing. Allele origin: germline.
Comment: This sequence change replaces threonine, which is neutral and polar, with lysine, which is basic and polar, at codon 600 of the UNC13D protein (p.Thr600Lys). This variant is not present in population databases (gnomAD no frequency). This variant has not been reported in the literature in individuals affected with UNC13D-related conditions. Invitae Evidence Modeling of protein sequence and biophysical properties (such as structural, functional, and spatial information, amino acid conservation, physicochemical variation, residue mobility, and thermodynamic stability) indicates that this missense variant is not expected to disrupt UNC13D protein function with a negative predictive value of 80%. In summary, the available evidence is currently insufficient to determine the role of this variant in disease. Therefore, it has been classified as a Variant of Uncertain Significance.

NM_199242.3(UNC13D):c.1799C>A (p.Thr600Lys)

Gene: UNC13D (unc-13 homolog D; minus strand). Cytogenetic location: 17q25.1.
Variant type: single nucleotide variant.
Coding change: c.1799C>A on transcript NM_199242.3 (MANE Select); coding-DNA position 1799, C replaced by A.
Protein change: p.Thr600Lys; replaces threonine 600 with lysine.
Molecular consequence: missense variant.
Genome position (GRCh38, 1-based): chr17:75,835,458, G>T on the plus strand (C>A on the coding strand, the complement: UNC13D is on the minus strand). VCF-style: chr17-75835458-G-T. GRCh37 (hg19) VCF-style: chr17-73831539-G-T.
Other names: short protein forms T600K.
Identifiers: ClinVar variation 3700997 (VCV003700997.2).